The following is an entry in ClinVar:

NM_000163.5(GHR):c.-150C>A

Genes: GHR (growth hormone receptor; plus strand), LOC107963950 (GHR upstream promoter region module A; plus strand). Cytogenetic location: 5p13.1.
Variant type: single nucleotide variant.
Coding change: c.-150C>A on transcript NM_000163.5 (MANE Select); 150 bases upstream of the start codon, C replaced by A.
Molecular consequence: 5 prime UTR variant.
Genome position (GRCh38, 1-based): chr5:42,423,817, C>A. VCF-style: chr5-42423817-C-A. GRCh37 (hg19) VCF-style: chr5-42423919-C-A.
Identifiers: ClinVar variation 907634 (VCV000907634.4), dbSNP rs368929640, ClinGen allele CA118017804.

ClinVar aggregate classification (germline): Likely benign (1 of 4 stars; one submission).

Conditions:
Laron-type isolated somatotropin defect. Also called: Laron Syndrome; Growth hormone binding protein deficiency or dysfunction; Growth hormone receptor deficiency or dysfunction; Laron dwarfism; Laron type pituitary dwarfism I; GROWTH HORMONE RECEPTOR DEFICIENCY. Identifiers: Orphanet 633, MedGen C0271568, MONDO:0009877, OMIM 262500.

Allele frequency attached by ClinVar (database versions not stated): TOPMed 0.00004; gnomAD exomes 0.00049; 1000 Genomes Project 30x 0.00156; 1000 Genomes Project 0.00160.
gnomAD v4.1: 35 of 164,252 alleles (0.021%); highest among the groups gnomAD compares: South Asian, 0.6%; 1 homozygote.

Submission:

Illumina Laboratory Services, Illumina
Classification: Likely benign for Laron-type isolated somatotropin defect. Last evaluated: 2018-01-12. Review status: criteria provided, single submitter. Criteria: ICSL Variant Classification Criteria 13 December 2019. Collection method: clinical testing. Allele origin: germline.
Comment: This variant was observed in the ICSL laboratory as part of a predisposition screen in an ostensibly healthy population. It had not been previously curated by ICSL or reported in the Human Gene Mutation Database (HGMD: prior to June 1st, 2018), and was therefore a candidate for classification through an automated scoring system. Utilizing variant allele frequency, disease prevalence and penetrance estimates, and inheritance mode, an automated score was calculated to assess if this variant is too frequent to cause the disease. Based on the score and internal cut-off values, a variant classified as likely benign is not then subjected to further curation. The score for this variant resulted in a classification of likely benign for this disease.